The following is an entry in ClinVar:

ClinVar aggregate classification (germline): Uncertain significance (1 of 4 stars; one submission).

Conditions:
Transcobalamin II deficiency (TCN2D). Also called: Transcolabamin II deficiency; TC II DEFICIENCY; TCN2 DEFICIENCY. Identifiers: Orphanet 859, MedGen C0342701, MONDO:0010149, OMIM 275350.

gnomAD v4.1: 1 of 1,614,136 alleles (0.000062%); no homozygotes.

Submission:

Labcorp Genetics (formerly Invitae), Labcorp
Classification: Uncertain significance for Transcobalamin II deficiency. Last evaluated: 2021-08-26. Review status: criteria provided, single submitter. Criteria: Invitae Variant Classification Sherloc (09022015). Collection method: clinical testing. Allele origin: germline.
Comment: This sequence change replaces alanine with aspartic acid at codon 6 of the TCN2 protein (p.Ala6Asp). The alanine residue is moderately conserved and there is a moderate physicochemical difference between alanine and aspartic acid. This variant is not present in population databases (ExAC no frequency). This variant has not been reported in the literature in individuals affected with TCN2-related conditions. Algorithms developed to predict the effect of missense changes on protein structure and function are either unavailable or do not agree on the potential impact of this missense change (SIFT: "Deleterious"; PolyPhen-2: "Possibly Damaging"; Align-GVGD: "Class C0"). In summary, the available evidence is currently insufficient to determine the role of this variant in disease. Therefore, it has been classified as a Variant of Uncertain Significance.

NM_000355.4(TCN2):c.17C>A (p.Ala6Asp)

Genes: TCN2 (transcobalamin 2; plus strand), LOC121853040 (Sharpr-MPRA regulatory region 10016; plus strand). Cytogenetic location: 22q12.2.
Variant type: single nucleotide variant.
Coding change: c.17C>A on transcript NM_000355.4 (MANE Select); coding-DNA position 17, C replaced by A.
Protein change: p.Ala6Asp; replaces alanine 6 with aspartic acid.
Molecular consequence: missense variant.
Genome position (GRCh38, 1-based): chr22:30,607,348, C>A. VCF-style: chr22-30607348-C-A. GRCh37 (hg19) VCF-style: chr22-31003335-C-A.
Other names: c.17C>A, p.Ala6Asp (NM_001184726.2); short protein forms A6D.
Identifiers: ClinVar variation 1373496 (VCV001373496.5), dbSNP rs2145528950, ClinGen allele CA411204668.